The following is an entry in ClinVar:

NM_001376.5(DYNC1H1):c.12783C>G (p.Asp4261Glu)

Gene: DYNC1H1 (dynein cytoplasmic 1 heavy chain 1; plus strand). Cytogenetic location: 14q32.31.
Variant type: single nucleotide variant.
Coding change: c.12783C>G on transcript NM_001376.5 (MANE Select); coding-DNA position 12783, C replaced by G.
Protein change: p.Asp4261Glu; replaces aspartic acid 4261 with glutamic acid.
Molecular consequence: missense variant.
Genome position (GRCh38, 1-based): chr14:102,044,372, C>G. VCF-style: chr14-102044372-C-G. GRCh37 (hg19) VCF-style: chr14-102510709-C-G.
Other names: short protein forms D4261E.
Identifiers: ClinVar variation 3777654 (VCV003777654.1).

ClinVar aggregate classification (germline): Uncertain significance (1 of 4 stars; one submission).

Submission:

GeneDx
Classification: Uncertain significance. Last evaluated: 2024-10-10. Review status: criteria provided, single submitter. Criteria: GeneDx Variant Classification Process June 2021. Collection method: clinical testing. Allele origin: germline. Affected: yes.
Comment: Not observed at significant frequency in large population cohorts (gnomAD); In silico analysis supports that this missense variant has a deleterious effect on protein structure/function; Has not been previously published as pathogenic or benign to our knowledge; This variant is associated with the following publications: (PMID: 25512093, 25609763, 26100331)